The following is an entry in ClinVar:

NM_006245.4(PPP2R5D):c.619T>C (p.Trp207Arg)

Gene: PPP2R5D (protein phosphatase 2 regulatory subunit B'delta; plus strand). Cytogenetic location: 6p21.1.
Variant type: single nucleotide variant.
Coding change: c.619T>C on transcript NM_006245.4 (MANE Select); coding-DNA position 619, T replaced by C.
Protein change: p.Trp207Arg; replaces tryptophan 207 with arginine.
Molecular consequence: missense variant.
Genome position (GRCh38, 1-based): chr6:43,007,292, T>C. VCF-style: chr6-43007292-T-C. GRCh37 (hg19) VCF-style: chr6-42975030-T-C.
Other names: c.166T>C, p.Trp56Arg (NM_001270476.2); c.523T>C, p.Trp175Arg (NM_180976.3); c.301T>C, p.Trp101Arg (NM_180977.3); short protein forms W207R, W101R, W175R, W56R.
Identifiers: ClinVar variation 280435 (VCV000280435.25), dbSNP rs869320691, ClinGen allele CA10603009.

ClinVar aggregate classification (germline): Pathogenic/Likely pathogenic. Review status: criteria provided, multiple submitters, no conflicts (2 of 4 stars). 12 submissions from 12 submitters: Pathogenic (11); Likely pathogenic (1). Last evaluated 2026-06-29.

Conditions:
Genetic developmental and epileptic encephalopathy. Identifiers: MedGen CN379639, MONDO:0100062.
Houge-Janssens syndrome 1. Also called: Hogue-Janssens syndrome 1; PPP2R5D-Related Neurodevelopmental Disorder; Intellectual disability-macrocephaly-hypotonia-behavioral abnormalities syndrome; INTELLECTUAL DEVELOPMENTAL DISORDER, AUTOSOMAL DOMINANT 35. Identifiers: Orphanet 457279, MedGen C5779996, MONDO:0014602, OMIM 616355.

Submissions (12):

Laboratory of Medical Genetics, University of Torino
Classification: Pathogenic for Houge-Janssens syndrome 1. Last evaluated: 2026-06-29. Review status: criteria provided, single submitter. Criteria: ACMG Guidelines, 2015. Collection method: clinical testing. Allele origin: de novo. Affected: yes.

Revvity Omics, Revvity
Classification: Pathogenic for Houge-Janssens syndrome 1. Last evaluated: 2025-05-29. Review status: criteria provided, single submitter. Criteria: ACMG Guidelines, 2015. Collection method: clinical testing. Allele origin: germline.

3billion
Classification: Pathogenic for Houge-Janssens syndrome 1. Last evaluated: 2025-05-19. Review status: criteria provided, single submitter. Criteria: ACMG Guidelines, 2015. Collection method: clinical testing. Allele origin: germline. Affected: yes.
Comment: The variant is not observed in the gnomAD v4.1.0 dataset. Predicted Consequence/Location: Missense variant. Missense changes are a common disease-causing mechanism. In silico tool predictions suggest damaging effect of the variant on gene or gene product [REVEL: 0.80 (>=0.6, sensitivity 0.68 and specificity 0.92); 3Cnet: 0.99 (> 0.75, sensitivity 0.96 and precision 0.92)]. The same nucleotide change resulting in the same amino acid change has been previously reported as pathogenic/likely pathogenic with strong evidence (ClinVar ID: VCV000280435 /PMID: 28867141 /3billion dataset). The variant has been previously reported as de novo in a similarly affected individual (PMID: 28867141). Different missense changes at the same codon (p.Trp207Cys, p.Trp207Leu, p.Trp207Ser) have been reported as pathogenic/likely pathogenic with strong evidence (ClinVar ID: VCV001333678, VCV001395783, VCV001686094 /PMID: 33628804 /3billion dataset). Therefore, this variant is classified as Pathogenic according to the recommendation of ACMG/AMP guideline.

Victorian Clinical Genetics Services, Murdoch Childrens Research Institute
Classification: Pathogenic for Houge-Janssens syndrome 1. Last evaluated: 2025-04-29. Review status: criteria provided, single submitter. Criteria: ACMG Guidelines, 2015. Collection method: clinical testing. Allele origin: germline. Affected: yes.
Comment: This variant is classified as Pathogenic. Evidence in support of pathogenic classification: Variant is absent from gnomAD (both v2 and v3); This variant has strong previous evidence of pathogenicity in unrelated individuals. This variant has been reported in many individuals with PPP2R5D-related intellectual disability (MIM#616355), including at least four de novo reports (ClinVar, DECIPHER, PMID: 24896178, 26168268); Other missense variants comparable to the one identified in this case have moderate previous evidence for pathogenicity. The p.(Trp207Cys) and p.(Trp207Leu) variants have each been shown to be de novo in at least one individual with PPP2R5D-related intellectual disability (DECIPHER, PMID:33628804); Variant is located in a hotspot region or cluster of pathogenic variants (DECIPHER); Missense variant consistently predicted to be damaging by multiple in silico tools or highly conserved with a major amino acid change; Additional information: Variant is predicted to result in a missense amino acid change from tryptophan to arginine; This variant is heterozygous; This gene is associated with autosomal dominant disease; No published segregation evidence has been identified for this variant; No published functional evidence has been identified for this variant; The mechanism of disease for this gene is not clearly established. While loss-of-function has been demonstrated, dominant-negative has been proposed as a disease mechanism (PMID: 32074998, 26168268).

Labcorp Genetics (formerly Invitae), Labcorp
Classification: Pathogenic. Last evaluated: 2024-10-23. Review status: criteria provided, single submitter. Criteria: Invitae Variant Classification Sherloc (09022015). Collection method: clinical testing. Allele origin: germline.
Comment: This sequence change replaces tryptophan, which is neutral and slightly polar, with arginine, which is basic and polar, at codon 207 of the PPP2R5D protein (p.Trp207Arg). This variant is not present in population databases (gnomAD no frequency). This missense change has been observed in individual(s) with PPP2R5D-related conditions (PMID: 24896178). In at least one individual the variant was observed to be de novo. ClinVar contains an entry for this variant (Variation ID: 280435). An algorithm developed to predict the effect of missense changes on protein structure and function (PolyPhen-2) suggests that this variant is likely to be disruptive. Experimental studies have shown that this missense change affects PPP2R5D function (PMID: 26168268). This variant disrupts the p.Trp207 amino acid residue in PPP2R5D. Other variant(s) that disrupt this residue have been determined to be pathogenic (internal data). This suggests that this residue is clinically significant, and that variants that disrupt this residue are likely to be disease-causing. For these reasons, this variant has been classified as Pathogenic.

ARUP Laboratories, Molecular Genetics and Genomics, ARUP Laboratories
Classification: Pathogenic for Houge-Janssens syndrome 1. Last evaluated: 2023-08-21. Review status: criteria provided, single submitter. Criteria: ARUP Molecular Germline Variant Investigation Process 2024. Collection method: clinical testing. Allele origin: germline.
Comment: The PPP2R5D c.619T>C; p.Trp207Arg variant (rs869320691) is reported in the literature as a de novo variant in large neurodevelopmental disorder or intellectual disability cohorts (Chen 2021, Lelieveld 2017, Turner 2019). This variant is also reported in ClinVar (Variation ID: 280435). This variant is also absent from the Genome Aggregation Database (v2.1.1), indicating it is not a common polymorphism. Additionally, another variant resulting in the same amino acid change, c.619T>A; p.Trp207Arg, is reported in several patients affected with Hogue-Janssens syndrome, also as a de novo variant (Gilissen 2014, Houge 2015). Functional analyses of the p.Trp207Arg variant protein demonstrate impaired subunit binding (Houge 2015) and computational analyses predict that this variant is deleterious (REVEL: 0.795). Based on available information, the c.619T>C; p.Trp207Arg variant is considered to be pathogenic. References: Chen Y et al. Comprehensive genome sequencing analyses identify novel gene mutations and copy number variations associated with infant developmental delay or intellectual disability (DD/ID). Genes Dis. 2021 Dec 3;9(5):1166-1169. PMID: 35873028. Gilissen C et al. Genome sequencing identifies major causes of severe intellectual disability. Nature. 2014 Jul 17;511(7509):344-7. PMID: 24896178. Houge G et al. B56delta-related protein phosphatase 2A dysfunction identified in patients with intellectual disability. J Clin Invest. 2015 Aug 3;125(8):3051-62. PMID: 26168268. Lelieveld SH et al. Spatial Clustering of de Novo Missense Mutations Identifies Candidate Neurodevelopmental Disorder-Associated Genes. Am J Hum Genet. 2017 Sep 7;101(3):478-484. PMID: 28867141. Turner TN et al. Sex-Based Analysis of De Novo Variants in Neurodevelopmental Disorders. Am J Hum Genet. 2019 Dec 5;105(6):1274-1285. PMID: 31785789.

Center for Molecular Medicine, Children’s Hospital of Fudan University
Classification: Pathogenic for Houge-Janssens syndrome 1. Last evaluated: 2023-07-12. Review status: criteria provided, single submitter. Criteria: ACMG Guidelines, 2015. Collection method: clinical testing. Allele origin: de novo. Affected: yes.

GeneDx
Classification: Pathogenic. Last evaluated: 2022-04-07. Review status: criteria provided, single submitter. Criteria: GeneDx Variant Classification Process June 2021. Collection method: clinical testing. Allele origin: germline. Affected: yes.
Comment: Reported in a large cohort of individuals with intellectual disability and/or developmental delays who had de novo variants identified by exome trio analysis; however no case specific information was provided (Lelieveld et al., 2017); Same amino acid substitution caused by a different nucleotide change (c.619T>A) has been reported as a de novo variant in the published literature in association with intellectual disability (Gilissen et al., 2014; Houge et al., 2015; HGMD); Not observed in large population cohorts (gnomAD); In silico analysis supports that this missense variant has a deleterious effect on protein structure/function; This variant is associated with the following publications: (PMID: 34448180, 33106617, 28867141, 33726816, 31785789, 33628804, 32074998, 34228795)

AiLife Diagnostics
Classification: Pathogenic. Last evaluated: 2021-06-23. Review status: criteria provided, single submitter. Criteria: ACMG Guidelines, 2015. Collection method: clinical testing. Allele origin: de novo. Affected: yes. Observed: 1 variant allele.

Centre for Inherited Metabolic Diseases, Karolinska University Hospital
Classification: Pathogenic for Houge-Janssens syndrome 1. Last evaluated: 2021-04-13. Review status: criteria provided, single submitter. Criteria: ACMG Guidelines, 2015. Collection method: clinical testing. Allele origin: de novo. Inheritance: Autosomal dominant inheritance. Affected: yes. Observed: 1 heterozygote.

Institute of Medical Genetics and Applied Genomics, University Hospital Tübingen
Classification: Likely pathogenic. Last evaluated: 2020-10-23. Review status: criteria provided, single submitter. Criteria: ACMG Guidelines, 2015. Collection method: clinical testing. Allele origin: germline. Inheritance: Autosomal dominant inheritance. Affected: yes.

Cambridge Genomics Laboratory, East Genomic Laboratory Hub, NHS Genomic Medicine Service
Classification: Pathogenic for Genetic developmental and epileptic encephalopathy. Last evaluated: 2019-11-28. Review status: criteria provided, single submitter. Criteria: ACGS Best Practice Guidelines for Variant Classification in Rare Disease 2020. Collection method: clinical testing. Allele origin: germline. Affected: yes. Observed: 1 variant allele.

Literature cited by the submitters: PubMed 28867141 (cited by 3billion and AiLife Diagnostics); PubMed 24896178 (cited by Victorian Clinical Genetics Services, Murdoch Childrens Research Institute and Labcorp Genetics (formerly Invitae), Labcorp); PubMed 32074998 (cited by Victorian Clinical Genetics Services, Murdoch Childrens Research Institute); PubMed 26168268 (cited by Victorian Clinical Genetics Services, Murdoch Childrens Research Institute and Labcorp Genetics (formerly Invitae), Labcorp).